The following is an entry in ClinVar:

NM_004958.4(MTOR):c.918C>T (p.Phe306=)

Gene: MTOR (mechanistic target of rapamycin kinase; minus strand). Cytogenetic location: 1p36.22.
Variant type: single nucleotide variant.
Coding change: c.918C>T on transcript NM_004958.4 (MANE Select); coding-DNA position 918, C replaced by T.
Protein change: p.Phe306=; no amino-acid change (phenylalanine 306 retained).
Molecular consequence: synonymous variant.
Genome position (GRCh38, 1-based): chr1:11,248,017, G>A on the plus strand (C>T on the coding strand, the complement: MTOR is on the minus strand). VCF-style: chr1-11248017-G-A. GRCh37 (hg19) VCF-style: chr1-11308074-G-A.
Other names: p.Phe306=; c.918C>T (LRG_734t1).
Identifiers: ClinVar variation 414908 (VCV000414908.15), dbSNP rs28730694, ClinGen allele CA590844.

ClinVar aggregate classification (germline): Benign. Review status: criteria provided, multiple submitters, no conflicts (2 of 4 stars). 4 submissions from 4 submitters: Benign (4). Last evaluated 2026-02-03.

Allele frequency attached by ClinVar (database versions not stated): gnomAD exomes 0.00104 and 0.00276; ExAC 0.00357; gnomAD 0.01062 and 0.01135; TOPMed 0.01193; 1000 Genomes Project 0.01318; ESP Exome Variant Server 0.01361; 1000 Genomes Project 30x 0.01452.
gnomAD v4.1: 3,197 of 1,614,090 alleles (0.2%); highest among the groups gnomAD compares: African/African-American, 3.8%; 62 homozygotes.

Submissions (4):

Labcorp Genetics (formerly Invitae), Labcorp
Classification: Benign. Last evaluated: 2026-02-03. Review status: criteria provided, single submitter. Criteria: Invitae Variant Classification Sherloc (09022015). Collection method: clinical testing. Allele origin: germline.

Mayo Clinic Laboratories, Mayo Clinic
Classification: Benign. Last evaluated: 2023-05-05. Review status: criteria provided, single submitter. Criteria: ACMG Guidelines, 2015. Collection method: clinical testing. Allele origin: germline. Observed: 2 variant alleles.
Comment: BS1, BS2, BP4, BP7

GeneDx
Classification: Benign. Last evaluated: 2020-12-14. Review status: criteria provided, single submitter. Criteria: GeneDx Variant Classification Process June 2021. Collection method: clinical testing. Allele origin: germline. Affected: yes.

Breakthrough Genomics
Classification: Benign. Review status: criteria provided, single submitter. Criteria: ACMG Guidelines, 2015. Collection method: not provided. Allele origin: germline. Inheritance: Autosomal dominant inheritance. Affected: yes.